The following is an entry in ClinVar:

ClinVar aggregate classification (germline): Benign/Likely benign. Review status: criteria provided, multiple submitters, no conflicts (2 of 4 stars). 3 submissions from 3 submitters: Benign (2); Likely benign (1). Last evaluated 2026-01-13.

Conditions:
Congenital microvillous atrophy (DIAR2). Also called: CONGENITAL FAMILIAL PROTRACTED DIARRHEA WITH ENTEROCYTE BRUSH-BORDER ABNORMALITIES; DAVIDSON DISEASE; Diarrhea 2 with microvillus atrophy, with or without cholestasis; MICROVILLUS ATROPHY, CONGENITAL; Microvillus inclusion disease. Identifiers: Orphanet 2290, MedGen C0341306, MONDO:0009635, OMIM 251850.

Allele frequency attached by ClinVar (database versions not stated): gnomAD exomes 0.00155 and 0.00076; ExAC 0.00167; 1000 Genomes Project 30x 0.00344; 1000 Genomes Project 0.00359; gnomAD 0.00001 and 0.00043; TOPMed 0.00006.
gnomAD v4.1: 1,182 of 1,613,686 alleles (0.073%); highest among the groups gnomAD compares: South Asian, 1.2%; 9 homozygotes.

Submissions (3):

Labcorp Genetics (formerly Invitae), Labcorp
Classification: Benign. Last evaluated: 2026-01-13. Review status: criteria provided, single submitter. Criteria: Invitae Variant Classification Sherloc (09022015). Collection method: clinical testing. Allele origin: germline.

Blueprint Genetics
Classification: Likely benign. Last evaluated: 2024-11-19. Review status: criteria provided, single submitter. Criteria: ACMG Guidelines, 2015. Collection method: clinical testing. Allele origin: germline.

Illumina Laboratory Services, Illumina
Classification: Benign for Congenital microvillous atrophy. Last evaluated: 2018-01-13. Review status: criteria provided, single submitter. Criteria: ICSL Variant Classification Criteria 13 December 2019. Collection method: clinical testing. Allele origin: germline.
Comment: This variant was observed in the ICSL laboratory as part of a predisposition screen in an ostensibly healthy population. It had not been previously curated by ICSL or reported in the Human Gene Mutation Database (HGMD: prior to June 1st, 2018), and was therefore a candidate for classification through an automated scoring system. Utilizing variant allele frequency, disease prevalence and penetrance estimates, and inheritance mode, an automated score was calculated to assess if this variant is too frequent to cause the disease. Based on the score and internal cut-off values, a variant classified as benign is not then subjected to further curation. The score for this variant resulted in a classification of benign for this disease.

NM_001080467.3(MYO5B):c.2571+14C>T

Gene: MYO5B (myosin VB; minus strand). Cytogenetic location: 18q21.1.
Variant type: single nucleotide variant.
Coding change: c.2571+14C>T on transcript NM_001080467.3 (MANE Select); 14 bases into the intron after coding-DNA position 2571, C replaced by T.
Molecular consequence: intron variant.
Genome position (GRCh38, 1-based): chr18:49,904,658, G>A on the plus strand (C>T on the coding strand, the complement: MYO5B is on the minus strand). VCF-style: chr18-49904658-G-A. GRCh37 (hg19) VCF-style: chr18-47431028-G-A.
Identifiers: ClinVar variation 327044 (VCV000327044.13), dbSNP rs200805961, ClinGen allele CA8961026.